The following is an entry in ClinVar:

ClinVar aggregate classification (germline): Benign. Review status: criteria provided, multiple submitters, no conflicts (2 of 4 stars). 2 submissions from 2 submitters: Benign (2). Last evaluated 2018-01-13.

Conditions:
Congenital brain dysgenesis due to glutamine synthetase deficiency (GLND). Also called: GLUTAMINE SYNTHASE DEFICIENCY, CONGENITAL SYSTEMIC. Identifiers: Orphanet 71278, MedGen C1864910, MONDO:0012393, OMIM 610015.

Allele frequency attached by ClinVar (database versions not stated): gnomAD exomes 0.11538; TOPMed 0.15383; 1000 Genomes Project 30x 0.18973; 1000 Genomes Project 0.19309.
gnomAD v4.1: 24,011 of 152,046 alleles (16%); highest among the groups gnomAD compares: East Asian, 37%; 2,412 homozygotes.

Submissions (7):

Illumina Laboratory Services, Illumina
Classification: Benign for Congenital brain dysgenesis due to glutamine synthetase deficiency. Last evaluated: 2018-01-13. Review status: criteria provided, single submitter. Criteria: ICSL Variant Classification Criteria 13 December 2019. Collection method: clinical testing. Allele origin: germline.
Comment: This variant was observed in the ICSL laboratory as part of a predisposition screen in an ostensibly healthy population. It had not been previously curated by ICSL or reported in the Human Gene Mutation Database (HGMD: prior to June 1st, 2018), and was therefore a candidate for classification through an automated scoring system. Utilizing variant allele frequency, disease prevalence and penetrance estimates, and inheritance mode, an automated score was calculated to assess if this variant is too frequent to cause the disease. Based on the score and internal cut-off values, a variant classified as benign is not then subjected to further curation. The score for this variant resulted in a classification of benign for this disease.

Breakthrough Genomics
Classification: Benign. Review status: criteria provided, single submitter. Criteria: ACMG Guidelines, 2015. Collection method: not provided. Allele origin: germline. Inheritance: Autosomal recessive inheritance. Affected: yes.

Dr. Peter K. Rogan Lab, Western University
No classification provided (evidence only). Condition: Acute myeloid leukemia. Review status: no classification provided. Collection method: in vitro. Allele origin: not applicable. Functional consequence: retained intron. Not counted in ClinVar's aggregate classification.

Dr. Peter K. Rogan Lab, Western University
No classification provided (evidence only). Condition: Acute myeloid leukemia. Review status: no classification provided. Collection method: in vitro. Allele origin: not applicable. Functional consequence: retained intron. Not counted in ClinVar's aggregate classification.

Dr. Peter K. Rogan Lab, Western University
No classification provided (evidence only). Condition: Acute myeloid leukemia. Review status: no classification provided. Collection method: in vitro. Allele origin: not applicable. Functional consequence: retained intron. Not counted in ClinVar's aggregate classification.

Dr. Peter K. Rogan Lab, Western University
No classification provided (evidence only). Condition: Acute myeloid leukemia. Review status: no classification provided. Collection method: in vitro. Allele origin: not applicable. Functional consequence: retained intron. Not counted in ClinVar's aggregate classification.

Dr. Peter K. Rogan Lab, Western University
No classification provided (evidence only). Condition: Uterine carcinosarcoma. Review status: no classification provided. Collection method: in vitro. Allele origin: not applicable. Functional consequence: retained intron. Not counted in ClinVar's aggregate classification.

NM_001033044.4(GLUL):c.*2631G>A

Gene: GLUL (glutamate-ammonia ligase; minus strand). Cytogenetic location: 1q25.3.
Variant type: single nucleotide variant.
Coding change: c.*2631G>A on transcript NM_001033044.4 (MANE Select); 2631 bases downstream of the stop codon, G replaced by A.
Molecular consequence: 3 prime UTR variant.
Genome position (GRCh38, 1-based): chr1:182,381,774, C>T on the plus strand (G>A on the coding strand, the complement: GLUL is on the minus strand). VCF-style: chr1-182381774-C-T. GRCh37 (hg19) VCF-style: chr1-182350909-C-T.
Other names: NC_000001.10:g.182350909C>T; c.*2631G>A (NM_001033056.4, NM_002065.7).
Identifiers: ClinVar variation 293884 (VCV000293884.7), dbSNP rs2296522, ClinGen allele CA10608419.
Genomic context (GRCh38, chr1:182,381,774, plus strand): 5'-GCCTCTTCAGTTTAGTGCTTACACTGTAGGATACACCATCCAAGAGGCTGTAAGGGTGGC[C>T]AAGCAAAGGGAAGACAACTTCAGTTGGGGGGGTGGAAGCACAGATTCAATGGAAATAAGG-3'